The following is an entry in ClinVar:

NM_006506.5(RASA2):c.773G>C (p.Trp258Ser)

Gene: RASA2 (RAS p21 protein activator 2; plus strand). Cytogenetic location: 3q23.
Variant type: single nucleotide variant.
Coding change: c.773G>C on transcript NM_006506.5 (MANE Select); coding-DNA position 773, G replaced by C.
Protein change: p.Trp258Ser; replaces tryptophan 258 with serine.
Molecular consequence: missense variant.
Genome position (GRCh38, 1-based): chr3:141,559,905, G>C. VCF-style: chr3-141559905-G-C. GRCh37 (hg19) VCF-style: chr3-141278747-G-C.
Other names: c.773G>C, p.Trp258Ser (NM_001303245.3, NM_001303246.3); short protein forms W258S.
Identifiers: ClinVar variation 3703430 (VCV003703430.2).

ClinVar aggregate classification (germline): Uncertain significance (1 of 4 stars; one submission).

gnomAD v4.1: 1 of 1,612,910 alleles (0.000062%); highest among the groups gnomAD compares: Non-Finnish European, 0.000085%; no homozygotes.

Submission:

Labcorp Genetics (formerly Invitae), Labcorp
Classification: Uncertain significance. Last evaluated: 2025-08-20. Review status: criteria provided, single submitter. Criteria: Invitae Variant Classification Sherloc (09022015). Collection method: clinical testing. Allele origin: germline.
Comment: This sequence change replaces tryptophan, which is neutral and slightly polar, with serine, which is neutral and polar, at codon 258 of the RASA2 protein (p.Trp258Ser). This variant is not present in population databases (gnomAD no frequency). This variant has not been reported in the literature in individuals affected with RASA2-related conditions. ClinVar contains an entry for this variant (Variation ID: 3703430). Invitae Evidence Modeling of protein sequence and biophysical properties (such as structural, functional, and spatial information, amino acid conservation, physicochemical variation, residue mobility, and thermodynamic stability) indicates that this missense variant is expected to disrupt RASA2 protein function with a positive predictive value of 80%. In summary, the available evidence is currently insufficient to determine the role of this variant in disease. Therefore, it has been classified as a Variant of Uncertain Significance.